The following is an entry in ClinVar:

NM_006005.3(WFS1):c.1591C>T (p.Leu531Phe)

Gene: WFS1 (wolframin ER transmembrane glycoprotein; plus strand). Cytogenetic location: 4p16.1.
Variant type: single nucleotide variant.
Coding change: c.1591C>T on transcript NM_006005.3 (MANE Select); coding-DNA position 1591, C replaced by T.
Protein change: p.Leu531Phe; replaces leucine 531 with phenylalanine.
Molecular consequence: missense variant.
Genome position (GRCh38, 1-based): chr4:6,301,386, C>T. VCF-style: chr4-6301386-C-T. GRCh37 (hg19) VCF-style: chr4-6303113-C-T.
Other names: c.1591C>T, p.Leu531Phe (NM_001145853.1); short protein forms L531F.
Identifiers: ClinVar variation 1991057 (VCV001991057.4), dbSNP rs780482227, ClinGen allele CA2839415.

ClinVar aggregate classification (germline): Uncertain significance (1 of 4 stars; one submission).

Allele frequency attached by ClinVar (database versions not stated): ExAC 0.00002.
gnomAD v4.1: 10 of 1,612,630 alleles (0.00062%); highest among the groups gnomAD compares: South Asian, 0.0055%; no homozygotes.

Submission:

Labcorp Genetics (formerly Invitae), Labcorp
Classification: Uncertain significance. Last evaluated: 2023-11-25. Review status: criteria provided, single submitter. Criteria: Invitae Variant Classification Sherloc (09022015). Collection method: clinical testing. Allele origin: germline.
Comment: This sequence change replaces leucine, which is neutral and non-polar, with phenylalanine, which is neutral and non-polar, at codon 531 of the WFS1 protein (p.Leu531Phe). This variant is present in population databases (rs780482227, gnomAD 0.006%). This variant has not been reported in the literature in individuals affected with WFS1-related conditions. ClinVar contains an entry for this variant (Variation ID: 1991057). Advanced modeling of protein sequence and biophysical properties (such as structural, functional, and spatial information, amino acid conservation, physicochemical variation, residue mobility, and thermodynamic stability) has been performed at Invitae for this missense variant, however the output from this modeling did not meet the statistical confidence thresholds required to predict the impact of this variant on WFS1 protein function. In summary, the available evidence is currently insufficient to determine the role of this variant in disease. Therefore, it has been classified as a Variant of Uncertain Significance.